The following is an entry in ClinVar:

NM_015272.5(RPGRIP1L):c.1951del (p.Leu651fs)

Gene: RPGRIP1L (RPGRIP1 like; minus strand). Cytogenetic location: 16q12.2.
Variant type: Deletion.
Coding change: c.1951del on transcript NM_015272.5 (MANE Select); coding-DNA position 1951, one base deleted (C; older notation c.1951delC).
Protein change: p.Leu651fs; shifts the reading frame from leucine 651.
Molecular consequence: frameshift variant.
Genome position (GRCh38, 1-based): chr16:53,652,736, G deleted on the plus strand (C on the coding strand, the reverse complement: RPGRIP1L is on the minus strand); the first of 2 consecutive G bases (chr16:53,652,736-53,652,737); deleting either gives the same sequence. VCF-style (leftmost placement, unchanged base first): chr16-53652735-AG-A. GRCh37 (hg19) VCF-style: chr16-53686647-AG-A.
Other names: c.1951del, p.Leu651fs (NM_001127897.4, NM_001308334.3, NM_001330538.2); short protein forms L651fs.
Identifiers: ClinVar variation 2090372 (VCV002090372.4), dbSNP rs2544207377, ClinGen allele CA2580091686.

ClinVar aggregate classification (germline): Pathogenic (1 of 4 stars; one submission).

Conditions:
Joubert syndrome. Also called: CEREBELLOPARENCHYMAL DISORDER IV; JOUBERT-BOLTSHAUSER SYNDROME; Familial aplasia of the vermis. Identifiers: Orphanet 475, MedGen C5979921, MONDO:0018772.
Meckel-Gruber syndrome. Also called: DYSENCEPHALIA SPLANCHNOCYSTICA; GRUBER SYNDROME; Dysencephalia splachnocystica. Identifiers: Orphanet 564, MedGen C0265215, MONDO:0018921.

Submission:

Labcorp Genetics (formerly Invitae), Labcorp
Classification: Pathogenic for Joubert syndrome; Meckel-Gruber syndrome. Last evaluated: 2022-01-27. Review status: criteria provided, single submitter. Criteria: Invitae Variant Classification Sherloc (09022015). Collection method: clinical testing. Allele origin: germline.
Comment: This variant is not present in population databases (gnomAD no frequency). This sequence change creates a premature translational stop signal (p.Leu651Phefs*48) in the RPGRIP1L gene. It is expected to result in an absent or disrupted protein product. Loss-of-function variants in RPGRIP1L are known to be pathogenic (PMID: 17558409). This variant has not been reported in the literature in individuals affected with RPGRIP1L-related conditions. For these reasons, this variant has been classified as Pathogenic.

Literature cited by the submitters: PubMed 17558409.